The following is an entry in ClinVar:

NM_001036.6(RYR3):c.8228A>C (p.Tyr2743Ser)

Gene: RYR3 (ryanodine receptor 3; plus strand). Cytogenetic location: 15q14.
Variant type: single nucleotide variant.
Coding change: c.8228A>C on transcript NM_001036.6 (MANE Select); coding-DNA position 8228, A replaced by C.
Protein change: p.Tyr2743Ser; replaces tyrosine 2743 with serine.
Molecular consequence: missense variant.
Genome position (GRCh38, 1-based): chr15:33,750,007, A>C. VCF-style: chr15-33750007-A-C. GRCh37 (hg19) VCF-style: chr15-34042208-A-C.
Other names: c.8228A>C, p.Tyr2743Ser (NM_001243996.4); short protein forms Y2743S.
Identifiers: ClinVar variation 644665 (VCV000644665.10), dbSNP rs367645544, ClinGen allele CA7460146.

ClinVar aggregate classification (germline): Uncertain significance (1 of 4 stars; one submission).

Conditions:
Epileptic encephalopathy. Identifiers: MedGen C0543888, HP:0200134.

Allele frequency attached by ClinVar (database versions not stated): TOPMed 0.00009.
gnomAD v4.1: 154 of 1,612,458 alleles (0.0096%); highest among the groups gnomAD compares: Non-Finnish European, 0.011%; no homozygotes.

Submission:

Labcorp Genetics (formerly Invitae), Labcorp
Classification: Uncertain significance for Epileptic encephalopathy. Last evaluated: 2019-01-16. Review status: criteria provided, single submitter. Criteria: Invitae Variant Classification Sherloc (09022015). Collection method: clinical testing. Allele origin: germline.
Comment: In summary, the available evidence is currently insufficient to determine the role of this variant in disease. Therefore, it has been classified as a Variant of Uncertain Significance. Algorithms developed to predict the effect of missense changes on protein structure and function are either unavailable or do not agree on the potential impact of this missense change (SIFT: "Deleterious"; PolyPhen-2: "Probably Damaging"; Align-GVGD: "Class C0"). This variant has not been reported in the literature in individuals with RYR3-related conditions. This variant is present in population databases (rs367645544, ExAC 0.02%). This sequence change replaces tyrosine with serine at codon 2743 of the RYR3 protein (p.Tyr2743Ser). The tyrosine residue is highly conserved and there is a large physicochemical difference between tyrosine and serine.